The following is an entry in ClinVar:

ClinVar aggregate classification (germline): Uncertain significance. Review status: criteria provided, single submitter (1 of 4 stars). 2 submissions from 2 submitters: Uncertain significance (1). 1 of the submissions does not count toward it. Last evaluated 2022-10-17.

Conditions:
Joubert syndrome. Also called: Familial aplasia of the vermis; CEREBELLOPARENCHYMAL DISORDER IV; JOUBERT-BOLTSHAUSER SYNDROME. Identifiers: Orphanet 475, MedGen C5979921, MONDO:0018772.
Meckel-Gruber syndrome. Also called: Dysencephalia splachnocystica; DYSENCEPHALIA SPLANCHNOCYSTICA; GRUBER SYNDROME. Identifiers: Orphanet 564, MedGen C0265215, MONDO:0018921.
Nephronophthisis. Also called: Juvenile Nephronophthisis. Identifiers: Orphanet 655, MedGen C0687120, MONDO:0019005, HP:0000090.
Leber congenital amaurosis (LCA). Also called: Leber's amaurosis. Identifiers: Orphanet 65, MedGen C0339527, MeSH D057130, MONDO:0018998.

Allele frequency attached by ClinVar (database versions not stated): gnomAD exomes below 0.00001; gnomAD 0.00001; TOPMed 0.00001.
gnomAD v4.1: 5 of 1,509,386 alleles (0.00033%); highest among the groups gnomAD compares: Non-Finnish European, 0.00044%; no homozygotes.

Submissions (2):

Labcorp Genetics (formerly Invitae), Labcorp
Classification: Uncertain significance for Joubert syndrome; Meckel-Gruber syndrome; Nephronophthisis. Last evaluated: 2022-10-17. Review status: criteria provided, single submitter. Criteria: Invitae Variant Classification Sherloc (09022015). Collection method: clinical testing. Allele origin: germline.
Comment: This sequence change replaces aspartic acid, which is acidic and polar, with glycine, which is neutral and non-polar, at codon 290 of the CEP290 protein (p.Asp290Gly). This variant is not present in population databases (gnomAD no frequency). This variant has not been reported in the literature in individuals affected with CEP290-related conditions. ClinVar contains an entry for this variant (Variation ID: 1014746). Advanced modeling of protein sequence and biophysical properties (such as structural, functional, and spatial information, amino acid conservation, physicochemical variation, residue mobility, and thermodynamic stability) performed at Invitae indicates that this missense variant is not expected to disrupt CEP290 protein function. In summary, the available evidence is currently insufficient to determine the role of this variant in disease. Therefore, it has been classified as a Variant of Uncertain Significance.

Natera, Inc.
Classification: Uncertain significance for Leber congenital amaurosis. Last evaluated: 2020-03-04. Review status: no assertion criteria provided. Collection method: clinical testing. Allele origin: germline. Not counted in ClinVar's aggregate classification.

NM_025114.4(CEP290):c.869A>G (p.Asp290Gly)

Gene: CEP290 (centrosomal protein 290; minus strand). Cytogenetic location: 12q21.32.
Variant type: single nucleotide variant.
Coding change: c.869A>G on transcript NM_025114.4 (MANE Select); coding-DNA position 869, A replaced by G.
Protein change: p.Asp290Gly; replaces aspartic acid 290 with glycine.
Molecular consequence: missense variant.
Genome position (GRCh38, 1-based): chr12:88,129,019, T>C on the plus strand (A>G on the coding strand, the complement: CEP290 is on the minus strand). VCF-style: chr12-88129019-T-C. GRCh37 (hg19) VCF-style: chr12-88522796-T-C.
Other names: short protein forms D290G.
Identifiers: ClinVar variation 1014746 (VCV001014746.5), dbSNP rs958209779, ClinGen allele CA241156987.